The following is an entry in ClinVar:

NM_005458.8(GABBR2):c.491C>A (p.Ala164Asp)

Gene: GABBR2 (gamma-aminobutyric acid type B receptor subunit 2; minus strand). Cytogenetic location: 9q22.33.
Variant type: single nucleotide variant.
Coding change: c.491C>A on transcript NM_005458.8 (MANE Select); coding-DNA position 491, C replaced by A.
Protein change: p.Ala164Asp; replaces alanine 164 with aspartic acid.
Molecular consequence: missense variant.
Genome position (GRCh38, 1-based): chr9:98,542,012, G>T on the plus strand (C>A on the coding strand, the complement: GABBR2 is on the minus strand). VCF-style: chr9-98542012-G-T. GRCh37 (hg19) VCF-style: chr9-101304294-G-T.
Other names: short protein forms A164D.
Identifiers: ClinVar variation 2787797 (VCV002787797.3), dbSNP rs2490087149, ClinGen allele CA374351150.

ClinVar aggregate classification (germline): Uncertain significance (1 of 4 stars; one submission).

Conditions:
Epileptic encephalopathy. Identifiers: MedGen C0543888, HP:0200134.

Submission:

Labcorp Genetics (formerly Invitae), Labcorp
Classification: Uncertain significance for Epileptic encephalopathy. Last evaluated: 2023-12-11. Review status: criteria provided, single submitter. Criteria: Invitae Variant Classification Sherloc (09022015). Collection method: clinical testing. Allele origin: germline.
Comment: This sequence change replaces alanine, which is neutral and non-polar, with aspartic acid, which is acidic and polar, at codon 164 of the GABBR2 protein (p.Ala164Asp). This variant is not present in population databases (gnomAD no frequency). This variant has not been reported in the literature in individuals affected with GABBR2-related conditions. Advanced modeling of protein sequence and biophysical properties (such as structural, functional, and spatial information, amino acid conservation, physicochemical variation, residue mobility, and thermodynamic stability) performed at Invitae indicates that this missense variant is not expected to disrupt GABBR2 protein function with a negative predictive value of 80%. In summary, the available evidence is currently insufficient to determine the role of this variant in disease. Therefore, it has been classified as a Variant of Uncertain Significance.